The following is an entry in ClinVar:

NM_003611.3(OFD1):c.2105C>T (p.Pro702Leu)

Gene: OFD1 (OFD1 centriole and centriolar satellite protein; plus strand). Cytogenetic location: Xp22.2.
Variant type: single nucleotide variant.
Coding change: c.2105C>T on transcript NM_003611.3 (MANE Select); coding-DNA position 2105, C replaced by T.
Protein change: p.Pro702Leu; replaces proline 702 with leucine.
Molecular consequence: missense variant.
Genome position (GRCh38, 1-based): chrX:13,760,565, C>T. VCF-style: chrX-13760565-C-T. GRCh37 (hg19) VCF-style: chrX-13778684-C-T.
Other names: c.1985C>T, p.Pro662Leu (NM_001330209.2); c.1685C>T, p.Pro562Leu (NM_001330210.2); short protein forms P562L, P662L, P702L.
Identifiers: ClinVar variation 3364398 (VCV003364398.1).
Genomic context (GRCh38, chrX:13,760,565, plus strand): 5'-TTACTTCCAGTTCCCCGGAAAGACATATTTTTGGAGAGGACAGAGTTGTCTCTGAGCAGC[C>T]TCAAGTGGGCACACTTGAAGAAAGGAATGACGTCGTGGAAGCACTGACAGGCAGTGCAGC-3'
Protein context (NP_003602.1, residues 692-712): FGEDRVVSEQ[Pro702Leu]QVGTLEERND

ClinVar aggregate classification (germline): Uncertain significance (1 of 4 stars; one submission).

gnomAD v4.1: 2 of 1,199,658 alleles (0.00017%); highest among the groups gnomAD compares: Middle Eastern, 0.023%; no homozygotes.

Submission:

GeneDx
Classification: Uncertain significance. Last evaluated: 2023-11-18. Review status: criteria provided, single submitter. Criteria: GeneDx Variant Classification Process June 2021. Collection method: clinical testing. Allele origin: germline. Affected: yes.
Comment: Has not been previously published as pathogenic or benign to our knowledge; Not observed at significant frequency in large population cohorts (gnomAD); In silico analysis supports that this missense variant has a deleterious effect on protein structure/function